The following is an entry in ClinVar:

NM_018677.4(ACSS2):c.921C>T (p.Ala307=)

Gene: ACSS2 (acyl-CoA synthetase short chain family member 2; plus strand). Cytogenetic location: 20q11.22.
Variant type: single nucleotide variant.
Coding change: c.921C>T on transcript NM_018677.4 (MANE Select); coding-DNA position 921, C replaced by T.
Protein change: p.Ala307=; no amino-acid change (alanine 307 retained).
Molecular consequence: synonymous variant.
Genome position (GRCh38, 1-based): chr20:34,919,521, C>T. VCF-style: chr20-34919521-C-T. GRCh37 (hg19) VCF-style: chr20-33507324-C-T.
Other names: c.960C>T, p.Ala320= (NM_001076552.3); c.636C>T, p.Ala212= (NM_001242393.2).
Identifiers: ClinVar variation 3039685 (VCV003039685.2), dbSNP rs57092223, ClinGen allele CA9825417.

ClinVar aggregate classification (germline): Likely benign (0 of 4 stars; one submission).

Conditions:
ACSS2-related disorder. Also called: ACSS2-related condition.

Allele frequency attached by ClinVar (database versions not stated): ESP Exome Variant Server 0.00038; gnomAD 0.00047; TOPMed 0.00053; gnomAD exomes 0.00067; ExAC 0.00134; 1000 Genomes Project 30x 0.00172; 1000 Genomes Project 0.00180.
gnomAD v4.1: 1,072 of 1,611,488 alleles (0.067%); highest among the groups gnomAD compares: Middle Eastern, 0.65%; 10 homozygotes.

Submission:

PreventionGenetics, part of Exact Sciences
Classification: Likely benign for ACSS2-related condition. Last evaluated: 2023-12-21. Review status: no assertion criteria provided. Collection method: clinical testing. Allele origin: germline.
Comment: This variant is classified as likely benign based on ACMG/AMP sequence variant interpretation guidelines (Richards et al. 2015 PMID: 25741868, with internal and published modifications).